The following is an entry in ClinVar:

NM_000135.4(FANCA):c.805G>A (p.Val269Ile)

Gene: FANCA (FA complementation group A; minus strand). Cytogenetic location: 16q24.3.
Variant type: single nucleotide variant.
Coding change: c.805G>A on transcript NM_000135.4 (MANE Select); coding-DNA position 805, G replaced by A.
Protein change: p.Val269Ile; replaces valine 269 with isoleucine.
Molecular consequence: missense variant.
Genome position (GRCh38, 1-based): chr16:89,799,626, C>T on the plus strand (G>A on the coding strand, the complement: FANCA is on the minus strand). VCF-style: chr16-89799626-C-T. GRCh37 (hg19) VCF-style: chr16-89866034-C-T.
Other names: c.805G>A, p.Val269Ile (NM_001018112.3, NM_001286167.3); c.709G>A, p.Val237Ile (NM_001351830.2); c.805G>A (NM_000135.2); short protein forms V237I, V269I.
Identifiers: ClinVar variation 1061596 (VCV001061596.7), dbSNP rs1555566973, ClinGen allele CA397473598.

ClinVar aggregate classification (germline): Uncertain significance. Review status: criteria provided, multiple submitters, no conflicts (2 of 4 stars). 2 submissions from 2 submitters: Uncertain significance (2). Last evaluated 2025-02-09.

Conditions:
Inborn genetic diseases. Identifiers: MedGen C0950123, MeSH D030342.
Fanconi anemia (FA). Also called: Fanconi's anemia. Identifiers: Orphanet 84, MedGen C0015625, MeSH D005199, MONDO:0019391.

Submissions (2):

Ambry Genetics
Classification: Uncertain significance for Inborn genetic diseases. Last evaluated: 2025-02-09. Review status: criteria provided, single submitter. Criteria: Ambry Variant Classification Scheme 2023. Collection method: clinical testing. Allele origin: germline.
Comment: The p.V269I variant (also known as c.805G>A), located in coding exon 9 of the FANCA gene, results from a G to A substitution at nucleotide position 805. The valine at codon 269 is replaced by isoleucine, an amino acid with highly similar properties. This amino acid position is conserved. In addition, this alteration is predicted to be tolerated by in silico analysis. Based on the available evidence, the clinical significance of this variant remains unclear.

Labcorp Genetics (formerly Invitae), Labcorp
Classification: Uncertain significance for Fanconi anemia. Last evaluated: 2021-08-28. Review status: criteria provided, single submitter. Criteria: Invitae Variant Classification Sherloc (09022015). Collection method: clinical testing. Allele origin: germline.
Comment: This sequence change replaces valine with isoleucine at codon 269 of the FANCA protein (p.Val269Ile). The valine residue is moderately conserved and there is a small physicochemical difference between valine and isoleucine. This variant is not present in population databases (ExAC no frequency). This variant has not been reported in the literature in individuals affected with FANCA-related conditions. Advanced modeling of protein sequence and biophysical properties (such as structural, functional, and spatial information, amino acid conservation, physicochemical variation, residue mobility, and thermodynamic stability) performed at Invitae indicates that this missense variant is not expected to disrupt FANCA protein function. In summary, the available evidence is currently insufficient to determine the role of this variant in disease. Therefore, it has been classified as a Variant of Uncertain Significance.